The following is an entry in ClinVar:

ClinVar aggregate classification (germline): Uncertain significance. Review status: criteria provided, multiple submitters, no conflicts (2 of 4 stars). 2 submissions from 2 submitters: Uncertain significance (2). Last evaluated 2025-09-22.

Conditions:
Thrombomodulin-related bleeding disorder (THPH12). Also called: Thrombophilia due to thrombomodulin defect. Identifiers: Orphanet 436169, MedGen C3280976, MONDO:0013775, OMIM 614486.

Allele frequency attached by ClinVar (database versions not stated): ExAC 0.00008.

Submissions (2):

Genomenon, Inc
Classification: Uncertain significance for Thrombomodulin-related bleeding disorder. Last evaluated: 2025-09-22. Review status: criteria provided, single submitter. Criteria: Genomenon Sequence Variant Interpretation Standards - Updated. Collection method: curation. Allele origin: germline. Affected: no.
Comment: THBD p.Asn299Ile (c.896A>T) is a missense variant that changes the amino acid at residue 299 from Asparagine to Isoleucine. This variant has been reported in the published literature (PMID:15842356). It is absent or not present at a significant frequency in gnomAD. In silico models agree that this variant is not damaging. In conclusion, we classify THBD p.Asn299Ile (c.896A>T) as a variant of unknown significance.

Labcorp Genetics (formerly Invitae), Labcorp
Classification: Uncertain significance. Last evaluated: 2023-08-10. Review status: criteria provided, single submitter. Criteria: Invitae Variant Classification Sherloc (09022015). Collection method: clinical testing. Allele origin: germline.
Comment: In summary, the available evidence is currently insufficient to determine the role of this variant in disease. Therefore, it has been classified as a Variant of Uncertain Significance. Advanced modeling of protein sequence and biophysical properties (such as structural, functional, and spatial information, amino acid conservation, physicochemical variation, residue mobility, and thermodynamic stability) performed at Invitae indicates that this missense variant is not expected to disrupt THBD protein function. ClinVar contains an entry for this variant (Variation ID: 2129761). This variant has not been reported in the literature in individuals affected with THBD-related conditions. This variant is present in population databases (rs760651071, gnomAD 0.007%). This sequence change replaces asparagine, which is neutral and polar, with isoleucine, which is neutral and non-polar, at codon 299 of the THBD protein (p.Asn299Ile).

Literature cited by the submitters: PubMed 15842356 (cited by Genomenon, Inc).

NM_000361.3(THBD):c.896A>T (p.Asn299Ile)

Gene: THBD (thrombomodulin; minus strand). Cytogenetic location: 20p11.21.
Variant type: single nucleotide variant.
Coding change: c.896A>T on transcript NM_000361.3 (MANE Select); coding-DNA position 896, A replaced by T.
Protein change: p.Asn299Ile; replaces asparagine 299 with isoleucine.
Molecular consequence: missense variant.
Genome position (GRCh38, 1-based): chr20:23,048,609, T>A on the plus strand (A>T on the coding strand, the complement: THBD is on the minus strand). VCF-style: chr20-23048609-T-A. GRCh37 (hg19) VCF-style: chr20-23029246-T-A.
Other names: short protein forms N299I.
Identifiers: ClinVar variation 2129761 (VCV002129761.5), dbSNP rs760651071, ClinGen allele CA9787667.
Genomic context (GRCh38, chr20:23,048,609, plus strand): 5'-TCGGCCGCCAGCCGGTAGCCGGTCTCGCACATGCACGAGTAGGAGCCCGGCTGGTCGGGG[T>A]TGGGAACGCAGAAGTGCTCGCAGAGGTCGTTGCAGGACTGCGTCGCGGATGCGGTGCAGG-3'
Protein context (NP_000352.1, residues 289-309): NDLCEHFCVP[Asn299Ile]PDQPGSYSCM